The following is an entry in ClinVar:

NM_006206.6(PDGFRA):c.769G>A (p.Gly257Ser)

Gene: PDGFRA (platelet derived growth factor receptor alpha; plus strand). Cytogenetic location: 4q12.
Variant type: single nucleotide variant.
Coding change: c.769G>A on transcript NM_006206.6 (MANE Select); coding-DNA position 769, G replaced by A.
Protein change: p.Gly257Ser; replaces glycine 257 with serine.
Molecular consequence: missense variant.
Genome position (GRCh38, 1-based): chr4:54,267,298, G>A. VCF-style: chr4-54267298-G-A. GRCh37 (hg19) VCF-style: chr4-55133465-G-A.
Other names: c.769G>A, p.Gly257Ser (NM_001347827.2, NM_001347829.2); c.844G>A, p.Gly282Ser (NM_001347828.2); c.808G>A, p.Gly270Ser (NM_001347830.2); c.769G>A (NM_006206.4); short protein forms G270S, G282S, G257S.
Identifiers: ClinVar variation 1450472 (VCV001450472.7), dbSNP rs1577714414, ClinGen allele CA356891070.

ClinVar aggregate classification (germline): Uncertain significance. Review status: criteria provided, multiple submitters, no conflicts (2 of 4 stars). 2 submissions from 2 submitters: Uncertain significance (2). Last evaluated 2026-07-01.

Conditions:
Gastrointestinal stromal tumor. Also called: Gastrointestinal stromal tumor, somatic; Gastrointestinal stroma tumor. Identifiers: Orphanet 44890, MedGen C0238198, MeSH D046152, MONDO:0011719, OMIM 606764, HP:0100723.
Hereditary cancer-predisposing syndrome. Also called: Hereditary Cancer Syndrome; Tumor predisposition; Neoplastic Syndromes, Hereditary; Hereditary neoplastic syndrome. Identifiers: Orphanet 140162, MedGen C0027672, MeSH D009386, MONDO:0015356.

Allele frequency attached by ClinVar (database versions not stated): gnomAD exomes below 0.00001.

Submissions (2):

Ambry Genetics
Classification: Uncertain significance for Hereditary cancer-predisposing syndrome. Last evaluated: 2026-07-01. Review status: criteria provided, single submitter. Criteria: Ambry Variant Classification Scheme 2023. Collection method: clinical testing. Allele origin: germline.
Comment: The p.G257S variant (also known as c.769G>A), located in coding exon 5 of the PDGFRA gene, results from a G to A substitution at nucleotide position 769. The glycine at codon 257 is replaced by serine, an amino acid with similar properties. This amino acid position is conserved. In addition, the in silico prediction for this alteration is inconclusive. Based on the available evidence, the clinical significance of this variant remains unclear.

Labcorp Genetics (formerly Invitae), Labcorp
Classification: Uncertain significance for Gastrointestinal stromal tumor. Last evaluated: 2024-05-18. Review status: criteria provided, single submitter. Criteria: Invitae Variant Classification Sherloc (09022015). Collection method: clinical testing. Allele origin: germline.
Comment: This sequence change replaces glycine, which is neutral and non-polar, with serine, which is neutral and polar, at codon 257 of the PDGFRA protein (p.Gly257Ser). This variant is not present in population databases (gnomAD no frequency). This variant has not been reported in the literature in individuals affected with PDGFRA-related conditions. ClinVar contains an entry for this variant (Variation ID: 1450472). An algorithm developed to predict the effect of missense changes on protein structure and function (PolyPhen-2) suggests that this variant is likely to be disruptive. In summary, the available evidence is currently insufficient to determine the role of this variant in disease. Therefore, it has been classified as a Variant of Uncertain Significance.